The following is an entry in ClinVar:

ClinVar aggregate classification (germline): Uncertain significance. Review status: criteria provided, multiple submitters, no conflicts (2 of 4 stars). 2 submissions from 2 submitters: Uncertain significance (2). Last evaluated 2025-04-25.

Conditions:
Hereditary cancer-predisposing syndrome. Also called: Neoplastic Syndromes, Hereditary; Tumor predisposition; Hereditary Cancer Syndrome; Hereditary neoplastic syndrome. Identifiers: Orphanet 140162, MedGen C0027672, MeSH D009386, MONDO:0015356.
Hereditary cancer. Identifiers: MedGen C1333600.

Submissions (2):

Ambry Genetics
Classification: Uncertain significance for Hereditary cancer-predisposing syndrome. Last evaluated: 2025-04-25. Review status: criteria provided, single submitter. Criteria: Ambry Variant Classification Scheme 2023. Collection method: clinical testing. Allele origin: germline.
Comment: The c.3631T>C variant (also known as p.*1211Rext*6), located in coding exon 28 of the EGFR gene, results from a T to C substitution at nucleotide position 3631. This alteration disrupts the stop codon of the EGFR gene and is predicted to preserve the native sequence while resulting in the elongation of the protein by 6 amino acids. The exact functional effect of the additional amino acids is unknown. Based on the available evidence, the clinical significance of this variant remains unclear.

Mendelics
Classification: Uncertain significance for Hereditary cancer. Last evaluated: 2025-02-04. Review status: criteria provided, single submitter. Criteria: ACMG Guidelines, 2015. Collection method: clinical testing. Allele origin: unknown.
Comment: The available evidence is insufficient to conclusively determine the role of this variant. Therefore, it is classified as a Variant of Uncertain Significance.

NM_005228.5(EGFR):c.3631T>C (p.Ter1211Arg)

Gene: EGFR (epidermal growth factor receptor; plus strand). Cytogenetic location: 7p11.2.
Variant type: single nucleotide variant.
Coding change: c.3631T>C on transcript NM_005228.5 (MANE Select); coding-DNA position 3631, T replaced by C.
Protein change: p.Ter1211Arg.
Molecular consequence: stop lost.
Genome position (GRCh38, 1-based): chr7:55,205,615, T>C. VCF-style: chr7-55205615-T-C. GRCh37 (hg19) VCF-style: chr7-55273308-T-C.
Other names: c.3496T>C, p.Ter1166Arg (NM_001346899.2); c.3472T>C, p.Ter1158Arg (NM_001346900.2); c.2830T>C, p.Ter944Arg (NM_001346941.2).
Identifiers: ClinVar variation 3764504 (VCV003764504.2).